The following is an entry in ClinVar:

ClinVar aggregate classification (germline): Uncertain significance. Review status: criteria provided, multiple submitters, no conflicts (2 of 4 stars). 3 submissions from 3 submitters: Uncertain significance (3). Last evaluated 2026-05-01.

Conditions:
Linear nevus sebaceous syndrome. Also called: Linear nevus sebaceous; SCHIMMELPENNING-FEUERSTEIN-MIMS SYNDROME, SOMATIC MOSAIC; Linear sebaceous nevus sequence; Nevus, Sebaceous of Jadassohn; JADASSOHN NEVUS PHAKOMATOSIS; NEVUS SEBACEUS OF JADASSOHN. Identifiers: Orphanet 2612, MedGen C4552097, MONDO:0008097, OMIM 163200, HP:0010817.
Epidermal nevus. Also called: Nevus, epidermal, somatic; NEVUS, KERATINOCYTIC, NONEPIDERMOLYTIC. Identifiers: Orphanet 79414, MedGen C0334082, MONDO:0008093, OMIM 162900, HP:0010816.
Large congenital melanocytic nevus (CMNS). Also called: MELANOCYTIC NEVUS SYNDROME, CONGENITAL, SOMATIC; Giant hairy nevus; Bathing trunk nevus; Congenital giant pigmented nevus; Giant congenital nevus; PIGMENTED MOLES. Identifiers: Orphanet 626, MedGen C1842036, MONDO:0044792, OMIM 137550, HP:0005600.
Malignant tumor of urinary bladder. Also called: Urinary Bladder Neoplasms; Bladder cancer; Urinary bladder cancer. Identifiers: MedGen C0005684, MONDO:0001187, OMIM 109800.
Costello syndrome (CSTLO). Also called: FCS SYNDROME; FACIOCUTANEOSKELETAL SYNDROME; HRAS-Related Costello Syndrome. Identifiers: Orphanet 3071, MedGen C0587248, MONDO:0009026, OMIM 218040.
Thyroid cancer, nonmedullary, 2 (NMTC2). Also called: THYROID CANCER, NONMEDULLARY, 2, SUSCEPTIBILITY TO; THYROID CARCINOMA, FOLLICULAR; Thyroid carcinoma, follicular, somatic. Identifiers: MedGen C4225426, MONDO:0008566, OMIM 188470.
Cardiovascular phenotype. Identifiers: MedGen CN230736.

Allele frequency attached by ClinVar (database versions not stated): TOPMed 0.00002.
gnomAD v4.1: 6 of 1,613,062 alleles (0.00037%); highest among the groups gnomAD compares: Admixed American, 0.005%; no homozygotes.

Submissions (3):

Ambry Genetics
Classification: Uncertain significance for Cardiovascular phenotype. Last evaluated: 2026-05-01. Review status: criteria provided, single submitter. Criteria: Ambry Variant Classification Scheme 2023. Collection method: clinical testing. Allele origin: germline.
Comment: The p.R164P variant (also known as c.491G>C), located in coding exon 4 of the HRAS gene, results from a G to C substitution at nucleotide position 491. The arginine at codon 164 is replaced by proline, an amino acid with dissimilar properties. This amino acid position is highly conserved in available vertebrate species. In addition, this alteration is predicted to be deleterious by in silico analysis. Based on the available evidence, the clinical significance of this variant remains unclear.

Labcorp Genetics (formerly Invitae), Labcorp
Classification: Uncertain significance for Costello syndrome. Last evaluated: 2024-11-05. Review status: criteria provided, single submitter. Criteria: Invitae Variant Classification Sherloc (09022015). Collection method: clinical testing. Allele origin: germline.
Comment: This sequence change replaces arginine, which is basic and polar, with proline, which is neutral and non-polar, at codon 164 of the HRAS protein (p.Arg164Pro). This variant is present in population databases (rs753977266, gnomAD 0.003%). This variant has not been reported in the literature in individuals affected with HRAS-related conditions. ClinVar contains an entry for this variant (Variation ID: 850426). Invitae Evidence Modeling of protein sequence and biophysical properties (such as structural, functional, and spatial information, amino acid conservation, physicochemical variation, residue mobility, and thermodynamic stability) indicates that this missense variant is expected to disrupt HRAS protein function with a positive predictive value of 95%. In summary, the available evidence is currently insufficient to determine the role of this variant in disease. Therefore, it has been classified as a Variant of Uncertain Significance.

Fulgent Genetics
Classification: Uncertain significance for Malignant tumor of urinary bladder; Large congenital melanocytic nevus; Epidermal nevus; Linear nevus sebaceous syndrome; Thyroid cancer, nonmedullary, 2; Costello syndrome. Last evaluated: 2021-08-02. Review status: criteria provided, single submitter. Criteria: ACMG Guidelines, 2015. Collection method: clinical testing. Allele origin: unknown.

NM_005343.4(HRAS):c.491G>C (p.Arg164Pro)

Genes: HRAS (HRas proto-oncogene, GTPase; minus strand), LRRC56 (leucine rich repeat containing 56; plus strand). Cytogenetic location: 11p15.5.
Variant type: single nucleotide variant.
Coding change: c.491G>C on transcript NM_005343.4 (MANE Select); coding-DNA position 491, G replaced by C.
Protein change: p.Arg164Pro; replaces arginine 164 with proline.
Molecular consequence: missense variant. On other transcripts: 3 prime UTR variant (1).
Genome position (GRCh38, 1-based): chr11:532,715, C>G on the plus strand (G>C on the coding strand, the complement: HRAS is on the minus strand). VCF-style: chr11-532715-C-G. GRCh37 (hg19) VCF-style: chr11-532715-C-G.
Other names: c.491G>C, p.Arg164Pro (NM_001130442.3); c.254G>C, p.Arg85Pro (NM_001318054.2); c.*60G>C (NM_176795.5); short protein forms R164P, R85P.
Identifiers: ClinVar variation 850426 (VCV000850426.12), dbSNP rs753977266, ClinGen allele CA5779219.